The following is an entry in ClinVar:

ClinVar aggregate classification (germline): Uncertain significance. Review status: criteria provided, multiple submitters, no conflicts (2 of 4 stars). 3 submissions from 3 submitters: Uncertain significance (3). Last evaluated 2023-12-14.

Conditions:
Inborn genetic diseases. Identifiers: MedGen C0950123, MeSH D030342.
Netherton syndrome (NETH). Also called: NETHERTON DISEASE; ERYTHRODERMA, ICHTHYOSIFORM, WITH HYPOTRICHOSIS AND HYPER-IgE; COMEL-NETHERTON SYNDROME. Identifiers: Orphanet 634, MedGen C5574950, MONDO:0009735, OMIM 256500.

Allele frequency attached by ClinVar (database versions not stated): gnomAD 0.00003 and 0.00004; ExAC 0.00005; gnomAD exomes 0.00005; TOPMed 0.00005.
gnomAD v4.1: 65 of 1,600,452 alleles (0.0041%); highest among the groups gnomAD compares: Non-Finnish European, 0.0045%; no homozygotes.

Submissions (4):

Ambry Genetics
Classification: Uncertain significance for Inborn genetic diseases. Last evaluated: 2023-12-14. Review status: criteria provided, single submitter. Criteria: Ambry Variant Classification Scheme 2023. Collection method: clinical testing. Allele origin: germline.

Labcorp Genetics (formerly Invitae), Labcorp
Classification: Uncertain significance for Ichthyosis linearis circumflexa. Last evaluated: 2021-08-31. Review status: criteria provided, single submitter. Criteria: Invitae Variant Classification Sherloc (09022015). Collection method: clinical testing. Allele origin: germline.
Comment: This sequence change replaces alanine with glycine at codon 893 of the SPINK5 protein (p.Ala893Gly). The alanine residue is highly conserved and there is a small physicochemical difference between alanine and glycine. This variant is present in population databases (rs745918698, ExAC 0.01%). This variant has not been reported in the literature in individuals affected with SPINK5-related conditions. Algorithms developed to predict the effect of missense changes on protein structure and function are either unavailable or do not agree on the potential impact of this missense change (SIFT: "Deleterious"; PolyPhen-2: "Probably Damaging"; Align-GVGD: "Class C0"). Algorithms developed to predict the effect of sequence changes on RNA splicing suggest that this variant may create or strengthen a splice site. In summary, the available evidence is currently insufficient to determine the role of this variant in disease. Therefore, it has been classified as a Variant of Uncertain Significance.

Breakthrough Genomics
Classification: Uncertain significance. Review status: criteria provided, single submitter. Criteria: ACMG Guidelines, 2015. Collection method: not provided. Allele origin: germline. Inheritance: Autosomal recessive inheritance. Affected: yes.

Dr. Peter K. Rogan Lab, Western University
No classification provided (evidence only). Condition: Thymoma. Review status: no classification provided. Collection method: in vitro. Allele origin: not applicable. Functional consequence: retained intron. Not counted in ClinVar's aggregate classification.

NM_006846.4(SPINK5):c.2678C>G (p.Ala893Gly)

Gene: SPINK5 (serine peptidase inhibitor Kazal type 5; plus strand). Cytogenetic location: 5q32.
Variant type: single nucleotide variant.
Coding change: c.2678C>G on transcript NM_006846.4 (MANE Select); coding-DNA position 2678, C replaced by G.
Protein change: p.Ala893Gly; replaces alanine 893 with glycine.
Molecular consequence: missense variant.
Genome position (GRCh38, 1-based): chr5:148,124,776, C>G. VCF-style: chr5-148124776-C-G. GRCh37 (hg19) VCF-style: chr5-147504339-C-G.
Other names: c.2678C>G, p.Ala893Gly (NM_001127698.2, NM_001127699.2); short protein forms A893G.
Identifiers: ClinVar variation 967195 (VCV000967195.10), dbSNP rs745918698, ClinGen allele CA3496084.
Genomic context (GRCh38, chr5:148,124,776, plus strand): 5'-TAACAACCCTTGAAAAATTACCCTATCTTTTTTTTTAATTATTCTGCAGTGATCGAGAAG[C>G]TAATGAAAGAAAAAAGAAAGATGAAGAGAAATCAAGTAGCAAGCCCTCAAATAATGCAAA-3'
Protein context (NP_006837.2, residues 883-903): AMCQSIFDRE[Ala893Gly]NERKKKDEEK